The following is an entry in ClinVar:

NM_007294.4(BRCA1):c.5055T>A (p.Thr1685=)

Gene: BRCA1 (BRCA1 DNA repair associated; minus strand). Cytogenetic location: 17q21.31.
Variant type: single nucleotide variant.
Coding change: c.5055T>A on transcript NM_007294.4 (MANE Select); coding-DNA position 5055, T replaced by A.
Protein change: p.Thr1685=; no amino-acid change (threonine 1685 retained).
Molecular consequence: synonymous variant. On other transcripts: intron variant (1).
Genome position (GRCh38, 1-based): chr17:43,067,627, A>T on the plus strand (T>A on the coding strand, the complement: BRCA1 is on the minus strand). VCF-style: chr17-43067627-A-T. GRCh37 (hg19) VCF-style: chr17-41219644-A-T.
Other names: c.4842T>A, p.Thr1614= (NM_001407571.1, NM_001407894.1, NM_001407895.1 and 12 more transcripts); c.5121T>A, p.Thr1707= (NM_001407581.1, NM_001407582.1); c.5118T>A, p.Thr1706= (NM_001407583.1, NM_001407585.1, NM_001407587.1 and 1 more transcripts); c.5115T>A, p.Thr1705= (NM_001407590.1, NM_001407591.1); c.5055T>A, p.Thr1685= (NM_001407593.1, NM_001407594.1, NM_001407596.1 and 8 more transcripts); c.5052T>A, p.Thr1684= (NM_001407610.1, NM_001407611.1, NM_001407612.1 and 17 more transcripts); c.5049T>A, p.Thr1683= (NM_001407627.1, NM_001407628.1, NM_001407629.1 and 14 more transcripts); c.5046T>A, p.Thr1682= (NM_001407644.1, NM_001407645.1); and 71 more.
Identifiers: ClinVar variation 864887 (VCV000864887.3), dbSNP rs1060504555, ClinGen allele CA500146321.

Conditions:
Breast-ovarian cancer, familial, susceptibility to, 1 (BROVCA1). Also called: BRCA1 Hereditary Breast and Ovarian Cancer; OVARIAN CANCER, SUSCEPTIBILITY TO. Identifiers: Orphanet 145, MedGen C2676676, MONDO:0011450, OMIM 604370. Disease mechanism: loss of function.

Submission:

Brotman Baty Institute, University of Washington
No classification provided (evidence only). Condition: Breast-ovarian cancer, familial 1. Review status: no classification provided. Collection method: in vitro. Allele origin: not applicable. Functional consequence: functionally_normal.
ClinVar note: "not provided" was previously submitted as the classification for the variant. However, the classification appeared to be based only on an observation of functional data so it was converted to no classification on 2025-07-30.